The following is an entry in ClinVar:

NM_000094.4(COL7A1):c.4458del (p.Leu1488fs)

Gene: COL7A1 (collagen type VII alpha 1 chain; minus strand). Cytogenetic location: 3p21.31.
Variant type: Deletion.
Coding change: c.4458del on transcript NM_000094.4 (MANE Select); coding-DNA position 4458, one base deleted (G; older notation c.4458delG).
Protein change: p.Leu1488fs; shifts the reading frame from leucine 1488.
Molecular consequence: frameshift variant.
Genome position (GRCh38, 1-based): chr3:48,583,151, C deleted on the plus strand (G on the coding strand, the reverse complement: COL7A1 is on the minus strand); the first of 3 consecutive C bases (chr3:48,583,151-48,583,153); deleting any one gives the same sequence. VCF-style (leftmost placement, unchanged base first): chr3-48583150-GC-G. GRCh37 (hg19) VCF-style: chr3-48620583-GC-G.
Other names: short protein forms L1488fs.
Identifiers: ClinVar variation 5016036 (VCV005016036.1).
Genomic context (GRCh38, chr3:48,583,150, plus strand): 5'-CCTCCAGGGCCCTTGGCACCCCCCAGGTTGCACTTACCTTCTCTCCAGCCTCACCCAGGG[GC>G]CCTGGAAAGCCCCGGTCACCCTGAAGAGAGAGGGTGAGAGAAAGACAGAGAGAGAGAGGG-3'

ClinVar aggregate classification (germline): Pathogenic (1 of 4 stars; one submission).

Conditions:
Recessive dystrophic epidermolysis bullosa (RDEB). Also called: DYSTROPHIC EPIDERMOLYSIS BULLOSA, AUTOSOMAL RECESSIVE; EPIDERMOLYSIS BULLOSA DYSTROPHICA, HALLOPEAU-SIEMENS TYPE; Hallopeau-Siemens Disease; severe generalized recessive dystrophic epidermolysis bullosa; EPIDERMOLYSIS BULLOSA DYSTROPHICA, GENERALIZED SEVERE, AUTOSOMAL RECESSIVE; Epidermolysis Bullosa Distrophica Autosomal Recessive (RDEB). Identifiers: Orphanet 79408, Orphanet 79409, MedGen C0079474, MONDO:0009179, OMIM 226600.

Submission:

Myriad Genetics, Inc.
Classification: Pathogenic for Recessive dystrophic epidermolysis bullosa. Last evaluated: 2026-06-13. Review status: criteria provided, single submitter. Criteria: Myriad Autosomal Dominant, Autosomal Recessive and X-Linked Classification Criteria (2023). Collection method: clinical testing. Allele origin: unknown.
Comment: NM_000094.3(COL7A1):c.4458delG(L1488Wfs*222) is expected to be pathogenic in the context of dystrophic epidermolysis bullosa. This variant is predicted to lead to an abnormal or absent protein product due to the creation of a premature termination codon in COL7A1, a gene where loss-of-function variants are known to be pathogenic. Please note: this variant was assessed in the context of healthy population screening.